The following is an entry in ClinVar:

ClinVar aggregate classification (germline): Uncertain significance (1 of 4 stars; one submission).

Conditions:
Werner syndrome (WRN). Identifiers: Orphanet 902, MedGen C0043119, MONDO:0010196, OMIM 277700.

Allele frequency attached by ClinVar (database versions not stated): gnomAD exomes below 0.00001; TOPMed below 0.00001; gnomAD 0.00001.
gnomAD v4.1: 6 of 1,611,736 alleles (0.00037%); highest among the groups gnomAD compares: African/African-American, 0.0027%; no homozygotes.

Submission:

Labcorp Genetics (formerly Invitae), Labcorp
Classification: Uncertain significance for Werner syndrome. Last evaluated: 2023-03-09. Review status: criteria provided, single submitter. Criteria: Invitae Variant Classification Sherloc (09022015). Collection method: clinical testing. Allele origin: germline.
Comment: This sequence change replaces leucine, which is neutral and non-polar, with proline, which is neutral and non-polar, at codon 607 of the WRN protein (p.Leu607Pro). This variant is present in population databases (no rsID available, gnomAD 0.007%). This variant has not been reported in the literature in individuals affected with WRN-related conditions. ClinVar contains an entry for this variant (Variation ID: 943283). An algorithm developed to predict the effect of missense changes on protein structure and function (PolyPhen-2) suggests that this variant is likely to be disruptive. In summary, the available evidence is currently insufficient to determine the role of this variant in disease. Therefore, it has been classified as a Variant of Uncertain Significance.

NM_000553.6(WRN):c.1820T>C (p.Leu607Pro)

Gene: WRN (WRN RecQ like helicase; plus strand). Cytogenetic location: 8p12.
Variant type: single nucleotide variant.
Coding change: c.1820T>C on transcript NM_000553.6 (MANE Select); coding-DNA position 1820, T replaced by C.
Protein change: p.Leu607Pro; replaces leucine 607 with proline.
Molecular consequence: missense variant.
Genome position (GRCh38, 1-based): chr8:31,090,933, T>C. VCF-style: chr8-31090933-T-C. GRCh37 (hg19) VCF-style: chr8-30948449-T-C.
Other names: short protein forms L607P.
Identifiers: ClinVar variation 943283 (VCV000943283.6), dbSNP rs1383495146, ClinGen allele CA370928193.
Genomic context (GRCh38, chr8:31,090,933, plus strand): 5'-ATGTAGGCAAGATTGGCCTTGTTATCTCTCCCCTTATTTCTCTGATGGAAGACCAAGTGC[T>C]ACAGCTTAAGTAAGTCATGTTATCATTGCCACAATATCACCCTCTTTTTTTCTTCTGTGG-3'
Protein context (NP_000544.2, residues 597-617): PLISLMEDQV[Leu607Pro]QLKMSNIPAC